The following is an entry in ClinVar:

ClinVar aggregate classification (germline): Uncertain significance. Review status: criteria provided, single submitter (1 of 4 stars). 3 submissions from 3 submitters: Uncertain significance (1). 2 of the submissions do not count toward it. Last evaluated 2025-07-15.

Conditions:
Epidermolysis bullosa dystrophica inversa, autosomal recessive. Identifiers: MedGen C2673612.
COL7A1-related disorder. Also called: COL7A1-related condition; COL7A1- related disorders.

Allele frequency attached by ClinVar (database versions not stated): gnomAD exomes 0.00001; ExAC 0.00002; gnomAD 0.00002 and 0.00003; TOPMed 0.00002.
gnomAD v4.1: 13 of 1,614,120 alleles (0.00081%); highest among the groups gnomAD compares: Middle Eastern, 0.13%; 1 homozygote.

Submissions (3):

Labcorp Genetics (formerly Invitae), Labcorp
Classification: Uncertain significance. Last evaluated: 2025-07-15. Review status: criteria provided, single submitter. Criteria: Invitae Variant Classification Sherloc (09022015). Collection method: clinical testing. Allele origin: germline.
Comment: This sequence change replaces leucine, which is neutral and non-polar, with serine, which is neutral and polar, at codon 204 of the COL7A1 protein (p.Leu204Ser). This variant is present in population databases (rs745939385, gnomAD 0.003%). This variant has not been reported in the literature in individuals affected with COL7A1-related conditions. ClinVar contains an entry for this variant (Variation ID: 990883). Invitae Evidence Modeling of protein sequence and biophysical properties (such as structural, functional, and spatial information, amino acid conservation, physicochemical variation, residue mobility, and thermodynamic stability) has been performed for this missense variant. However, the output from this modeling did not meet the statistical confidence thresholds required to predict the impact of this variant on COL7A1 protein function. In summary, the available evidence is currently insufficient to determine the role of this variant in disease. Therefore, it has been classified as a Variant of Uncertain Significance.

PreventionGenetics, part of Exact Sciences
Classification: Uncertain significance for COL7A1-related condition. Last evaluated: 2024-08-08. Review status: no assertion criteria provided. Collection method: clinical testing. Allele origin: germline. Not counted in ClinVar's aggregate classification.
Comment: The COL7A1 c.611T>C variant is predicted to result in the amino acid substitution p.Leu204Ser. This variant, along with another pathogenic COL7A1 variant, has been reported in an individual with epidermolysis bullosa (Alharthi et al. 2021. PubMed ID: 35222512). This variant is reported in 0.00088% of alleles in individuals of European (Non-Finnish) descent in gnomAD. At this time, the clinical significance of this variant is uncertain due to the absence of conclusive functional and genetic evidence.

Natera, Inc.
Classification: Uncertain significance for Autosomal recessive epidermolysis bullosa dystrophica inversa. Last evaluated: 2020-09-13. Review status: no assertion criteria provided. Collection method: clinical testing. Allele origin: germline. Not counted in ClinVar's aggregate classification.

NM_000094.4(COL7A1):c.611T>C (p.Leu204Ser)

Gene: COL7A1 (collagen type VII alpha 1 chain; minus strand). Cytogenetic location: 3p21.31.
Variant type: single nucleotide variant.
Coding change: c.611T>C on transcript NM_000094.4 (MANE Select); coding-DNA position 611, T replaced by C.
Protein change: p.Leu204Ser; replaces leucine 204 with serine.
Molecular consequence: missense variant.
Genome position (GRCh38, 1-based): chr3:48,593,173, A>G on the plus strand (T>C on the coding strand, the complement: COL7A1 is on the minus strand). VCF-style: chr3-48593173-A-G. GRCh37 (hg19) VCF-style: chr3-48630606-A-G.
Other names: c.611T>C (NM_000094.3); short protein forms L204S.
Identifiers: ClinVar variation 990883 (VCV000990883.7), dbSNP rs745939385, ClinGen allele CA2381502.